The following is an entry in ClinVar:

ClinVar aggregate classification (germline): Uncertain significance (1 of 4 stars; one submission).

Conditions:
Inborn genetic diseases. Identifiers: MedGen C0950123, MeSH D030342.

Submission:

Ambry Genetics
Classification: Uncertain significance for Inborn genetic diseases. Last evaluated: 2026-05-06. Review status: criteria provided, single submitter. Criteria: Ambry Variant Classification Scheme 2023. Collection method: clinical testing. Allele origin: germline.
Comment: The c.2101A>G (p.K701E) alteration is located in exon 18 (coding exon 17) of the EFL1 gene. This alteration results from an A to G substitution at nucleotide position 2101, causing the lysine (K) at amino acid position 701 to be replaced by a glutamic acid (E). This variant was not reported in population-based cohorts in the Genome Aggregation Database (gnomAD). This amino acid position is well conserved in available vertebrate species. This alteration is predicted to be tolerated by in silico analysis. Based on insufficient or conflicting evidence, the clinical significance of this alteration remains unclear.

NM_024580.6(EFL1):c.2101A>G (p.Lys701Glu)

Gene: EFL1 (elongation factor like GTPase 1; minus strand). Cytogenetic location: 15q25.2.
Variant type: single nucleotide variant.
Coding change: c.2101A>G on transcript NM_024580.6 (MANE Select); coding-DNA position 2101, A replaced by G.
Protein change: p.Lys701Glu; replaces lysine 701 with glutamic acid.
Molecular consequence: missense variant. On other transcripts: non-coding transcript variant (1).
Genome position (GRCh38, 1-based): chr15:82,152,353, T>C on the plus strand (A>G on the coding strand, the complement: EFL1 is on the minus strand). VCF-style: chr15-82152353-T-C. GRCh37 (hg19) VCF-style: chr15-82444694-T-C.
Other names: c.1948A>G, p.Lys650Glu (NM_001040610.3); c.1312A>G, p.Lys438Glu (NM_001322844.2); c.2101A>G, p.Lys701Glu (NM_001322845.2); short protein forms K438E, K650E, K701E.
Identifiers: ClinVar variation 4870196 (VCV004870196.1).